The following is an entry in ClinVar:

ClinVar aggregate classification (germline): Uncertain significance (1 of 4 stars; one submission).

Submission:

GeneDx
Classification: Uncertain significance. Last evaluated: 2023-10-18. Review status: criteria provided, single submitter. Criteria: GeneDx Variant Classification Process June 2021. Collection method: clinical testing. Allele origin: germline. Affected: yes.
Comment: Not observed at significant frequency in large population cohorts (gnomAD); In silico analysis supports that this missense variant does not alter protein structure/function; Has not been previously published as pathogenic or benign to our knowledge

NM_001370100.5(ZMYND11):c.1331G>A (p.Ser444Asn)

Genes: ZMYND11 (zinc finger MYND-type containing 11; plus strand), LOC126860802 (BRD4-independent group 4 enhancer GRCh37_chr10:294268-295467; plus strand). Cytogenetic location: 10p15.3.
Variant type: single nucleotide variant.
Coding change: c.1331G>A on transcript NM_001370100.5 (MANE Select); coding-DNA position 1331, G replaced by A.
Protein change: p.Ser444Asn; replaces serine 444 with asparagine.
Molecular consequence: missense variant. On other transcripts: non-coding transcript variant (1).
Genome position (GRCh38, 1-based): chr10:248,439, G>A. VCF-style: chr10-248439-G-A. GRCh37 (hg19) VCF-style: chr10-294379-G-A.
Other names: c.1169G>A, p.Ser390Asn (NM_001202464.3, NM_001202467.1, NM_001370103.2 and 6 more transcripts); c.1076G>A, p.Ser359Asn (NM_001202465.3, NM_001370110.2); c.1166G>A, p.Ser389Asn (NM_001202466.3, NM_001370111.2); c.1331G>A, p.Ser444Asn (NM_001202468.1, NM_001370097.3, NM_001370098.2 and 4 more transcripts); c.1280G>A, p.Ser427Asn (NM_001330057.3, NM_001370112.2); c.1238G>A, p.Ser413Asn (NM_001370113.2, NM_001370114.2); c.1328G>A, p.Ser443Asn (NM_001370115.2, NM_212479.4); c.1265G>A, p.Ser422Asn (NM_001370116.2); and 8 more; short protein forms S287N, S325N, S342N, S350N, S359N, S368N, S389N, S390N.
Identifiers: ClinVar variation 3366071 (VCV003366071.1).